The following is an entry in ClinVar:

NM_001282531.3(ADNP):c.2849A>G (p.His950Arg)

Gene: ADNP (activity dependent neuroprotector homeobox; minus strand). Cytogenetic location: 20q13.13.
Variant type: single nucleotide variant.
Coding change: c.2849A>G on transcript NM_001282531.3 (MANE Select); coding-DNA position 2849, A replaced by G.
Protein change: p.His950Arg; replaces histidine 950 with arginine.
Molecular consequence: missense variant.
Genome position (GRCh38, 1-based): chr20:50,891,865, T>C on the plus strand (A>G on the coding strand, the complement: ADNP is on the minus strand). VCF-style: chr20-50891865-T-C. GRCh37 (hg19) VCF-style: chr20-49508402-T-C.
Other names: c.2849A>G (NM_015339.2, NM_015339.4); c.2849A>G, p.His950Arg (NM_001282532.2, NM_001347511.2, NM_015339.5 and 1 more transcripts); short protein forms H950R.
Identifiers: ClinVar variation 1336819 (VCV001336819.8), dbSNP rs1282824691, ClinGen allele CA408967660.

ClinVar aggregate classification (germline): Conflicting classifications of pathogenicity. Review status: criteria provided, conflicting classifications (1 of 4 stars). 4 submissions from 4 submitters: Uncertain significance (2); Likely benign (2). Last evaluated 2025-08-01.

Conditions:
Inborn genetic diseases. Identifiers: MedGen C0950123, MeSH D030342.

Allele frequency attached by ClinVar (database versions not stated): gnomAD exomes 0.00001 and 0.00002; gnomAD 0.00002 and 0.00003; TOPMed 0.00004.
gnomAD v4.1: 28 of 1,614,132 alleles (0.0017%); highest among the groups gnomAD compares: Non-Finnish European, 0.0024%; no homozygotes.

Submissions (4):

Ambry Genetics
Classification: Likely benign for Inborn genetic diseases. Last evaluated: 2025-08-01. Review status: criteria provided, single submitter. Criteria: Ambry Variant Classification Scheme 2023. Collection method: clinical testing. Allele origin: germline.

Labcorp Genetics (formerly Invitae), Labcorp
Classification: Uncertain significance. Last evaluated: 2024-04-25. Review status: criteria provided, single submitter. Criteria: Invitae Variant Classification Sherloc (09022015). Collection method: clinical testing. Allele origin: germline.
Comment: This sequence change replaces histidine, which is basic and polar, with arginine, which is basic and polar, at codon 950 of the ADNP protein (p.His950Arg). This variant is present in population databases (no rsID available, gnomAD 0.002%). This variant has not been reported in the literature in individuals affected with ADNP-related conditions. ClinVar contains an entry for this variant (Variation ID: 1336819). Algorithms developed to predict the effect of missense changes on protein structure and function output the following: SIFT: "Not Available"; PolyPhen-2: "Benign"; Align-GVGD: "Not Available". The arginine amino acid residue is found in multiple mammalian species, which suggests that this missense change does not adversely affect protein function. In summary, the available evidence is currently insufficient to determine the role of this variant in disease. Therefore, it has been classified as a Variant of Uncertain Significance.

Women's Health and Genetics/Laboratory Corporation of America, LabCorp
Classification: Uncertain significance. Last evaluated: 2023-06-19. Review status: criteria provided, single submitter. Criteria: LabCorp Variant Classification Summary - May 2015. Collection method: clinical testing. Allele origin: germline.
Comment: Variant summary: ADNP c.2849A>G (p.His950Arg) results in a non-conservative amino acid change in the encoded protein sequence. Four of five in-silico tools predict a benign effect of the variant on protein function. The variant allele was found at a frequency of 8e-06 in 251428 control chromosomes in GnomAD. The available data on variant occurrences in the general population are insufficient to allow any conclusion about variant significance. To our knowledge, no occurrence of c.2849A>G in individuals affected with ADNP-Related Multiple Congenital Anomalies-Intellectual Disability-Autism Spectrum Disorder and no experimental evidence demonstrating its impact on protein function have been reported. One clinical diagnostic laboratory has submitted clinical-significance assessment (likely benign) for this variant to ClinVar after 2014 without evidence for independent evaluation. Based on the evidence outlined above, the variant was classified as uncertain significance.

Genetic Services Laboratory, University of Chicago
Classification: Likely benign. Last evaluated: 2018-11-29. Review status: criteria provided, single submitter. Criteria: ACMG Guidelines, 2015. Collection method: clinical testing. Allele origin: germline. Affected: no.